The following is an entry in ClinVar:

ClinVar aggregate classification (germline): Conflicting classifications of pathogenicity. Review status: criteria provided, conflicting classifications (1 of 4 stars). 4 submissions from 4 submitters: Uncertain significance (3); Likely benign (1). Last evaluated 2026-01-28.

Conditions:
Charlevoix-Saguenay spastic ataxia (SACS). Also called: SPASTIC ATAXIA 6, AUTOSOMAL RECESSIVE; AUTOSOMAL RECESSIVE SPASTIC ATAXIA OF CHARLEVOIX-SAGUENAY; Spastic ataxia of Charlevoix-Saguenay. Identifiers: Orphanet 98, MedGen C1849140, MONDO:0010041, OMIM 270550.
Spastic paraplegia. Identifiers: MedGen C0037772, HP:0001258.

Allele frequency attached by ClinVar (database versions not stated): gnomAD 0.00014 and 0.00015; ESP Exome Variant Server 0.00015; TOPMed 0.00018; 1000 Genomes Project 30x 0.00078; 1000 Genomes Project 0.00080.
gnomAD v4.1: 90 of 1,613,840 alleles (0.0056%); highest among the groups gnomAD compares: African/African-American, 0.036%; no homozygotes.

Submissions (4):

Women's Health and Genetics/Laboratory Corporation of America, LabCorp
Classification: Uncertain significance. Last evaluated: 2026-01-28. Review status: criteria provided, single submitter. Criteria: LabCorp Variant Classification Summary - May 2015. Collection method: clinical testing. Allele origin: germline.
Comment: Variant summary: SACS c.11048A>G (p.Asn3683Ser) results in a conservative amino acid change in the encoded protein sequence. Algorithms developed to predict the effect of missense changes on protein structure and function all suggest that this variant is likely to be tolerated. The variant allele was found at a frequency of 9.6e-05 in 250582 control chromosomes. This frequency is not significantly higher than estimated for disease-causing variants in SACS, allowing no conclusion about variant significance. To our knowledge, no occurrence of c.11048A>G in individuals affected with SACS-related conditions and no experimental evidence demonstrating its impact on protein function have been reported. The following publication has been ascertained in the context of this evaluation (PMID: 23280630). ClinVar contains an entry for this variant (Variation ID: 932516). Based on the evidence outlined above, the variant was classified as uncertain significance.

Labcorp Genetics (formerly Invitae), Labcorp
Classification: Likely benign for Spastic paraplegia. Last evaluated: 2026-01-27. Review status: criteria provided, single submitter. Criteria: Invitae Variant Classification Sherloc (09022015). Collection method: clinical testing. Allele origin: germline.

Genome-Nilou Lab
Classification: Uncertain significance for Charlevoix-Saguenay spastic ataxia. Last evaluated: 2021-09-05. Review status: criteria provided, single submitter. Criteria: ACMG Guidelines, 2015. Collection method: clinical testing. Allele origin: germline. Affected: no.

CeGaT Center for Human Genetics Tuebingen
Classification: Uncertain significance. Last evaluated: 2020-06-01. Review status: criteria provided, single submitter. Criteria: CeGaT Center For Human Genetics Tuebingen Variant Classification Criteria Version 2. Collection method: clinical testing. Allele origin: germline. Affected: yes. Observed: 1 variant allele.

Literature cited by the submitters: PubMed 23280630 (cited by Women's Health and Genetics/Laboratory Corporation of America, LabCorp).

NM_014363.6(SACS):c.11048A>G (p.Asn3683Ser)

Gene: SACS (sacsin molecular chaperone; minus strand). Cytogenetic location: 13q12.12.
Variant type: single nucleotide variant.
Coding change: c.11048A>G on transcript NM_014363.6 (MANE Select); coding-DNA position 11048, A replaced by G.
Protein change: p.Asn3683Ser; replaces asparagine 3683 with serine.
Molecular consequence: missense variant.
Genome position (GRCh38, 1-based): chr13:23,332,828, T>C on the plus strand (A>G on the coding strand, the complement: SACS is on the minus strand). VCF-style: chr13-23332828-T-C. GRCh37 (hg19) VCF-style: chr13-23906967-T-C.
Other names: c.10607A>G, p.Asn3536Ser (NM_001278055.2); short protein forms N3536S, N3683S.
Identifiers: ClinVar variation 932516 (VCV000932516.49), dbSNP rs138609508, ClinGen allele CA6910347.